The following is an entry in ClinVar:

NM_001846.4(COL4A2):c.4202C>T (p.Pro1401Leu)

Genes: COL4A2 (collagen type IV alpha 2 chain; plus strand), COL4A2-AS1 (COL4A2 antisense RNA 1; minus strand). Cytogenetic location: 13q34.
Variant type: single nucleotide variant.
Coding change: c.4202C>T on transcript NM_001846.4 (MANE Select); coding-DNA position 4202, C replaced by T.
Protein change: p.Pro1401Leu; replaces proline 1401 with leucine.
Molecular consequence: missense variant.
Genome position (GRCh38, 1-based): chr13:110,503,910, C>T. VCF-style: chr13-110503910-C-T. GRCh37 (hg19) VCF-style: chr13-111156257-C-T.
Other names: short protein forms P1401L.
Identifiers: ClinVar variation 3602500 (VCV003602500.1).

ClinVar aggregate classification (germline): Uncertain significance (1 of 4 stars; one submission).

gnomAD v4.1: 3 of 1,612,686 alleles (0.00019%); highest among the groups gnomAD compares: East Asian, 0.0022%; no homozygotes.

Submission:

GeneDx
Classification: Uncertain significance. Last evaluated: 2024-08-02. Review status: criteria provided, single submitter. Criteria: GeneDx Variant Classification Process June 2021. Collection method: clinical testing. Allele origin: germline. Affected: yes.
Comment: Not observed at significant frequency in large population cohorts (gnomAD); In silico analysis supports that this missense variant has a deleterious effect on protein structure/function; Has not been previously published as pathogenic or benign to our knowledge